The following is an entry in ClinVar:

NM_000218.3(KCNQ1):c.1478G>C (p.Gly493Ala)

Genes: KCNQ1 (potassium voltage-gated channel subfamily Q member 1; plus strand), KCNQ1OT1 (KCNQ1 opposite strand/antisense transcript 1; minus strand). Cytogenetic location: 11p15.5.
Variant type: single nucleotide variant.
Coding change: c.1478G>C on transcript NM_000218.3 (MANE Select); coding-DNA position 1478, G replaced by C.
Protein change: p.Gly493Ala; replaces glycine 493 with alanine.
Molecular consequence: missense variant.
Genome position (GRCh38, 1-based): chr11:2,662,045, G>C. VCF-style: chr11-2662045-G-C. GRCh37 (hg19) VCF-style: chr11-2683275-G-C.
Other names: c.1382G>C, p.Gly461Ala (NM_001406836.1); c.1208G>C, p.Gly403Ala (NM_001406837.1); c.938G>C, p.Gly313Ala (NM_001406838.1); c.1097G>C, p.Gly366Ala (NM_181798.2); short protein forms G313A, G366A, G461A, G493A, G403A.
Identifiers: ClinVar variation 1773498 (VCV001773498.2), dbSNP rs757452952, ClinGen allele CA030046.

ClinVar aggregate classification (germline): Uncertain significance (1 of 4 stars; one submission).

Conditions:
Cardiovascular phenotype. Identifiers: MedGen CN230736.

Allele frequency attached by ClinVar (database versions not stated): gnomAD exomes below 0.00001; ExAC 0.00001; gnomAD 0.00001; TOPMed 0.00001.
gnomAD v4.1: 2 of 1,614,138 alleles (0.00012%); highest among the groups gnomAD compares: African/African-American, 0.0027%; no homozygotes.

Submission:

Ambry Genetics
Classification: Uncertain significance for Cardiovascular phenotype. Last evaluated: 2021-07-25. Review status: criteria provided, single submitter. Criteria: Ambry Variant Classification Scheme 2023. Collection method: clinical testing. Allele origin: germline.
Comment: The p.G493A variant (also known as c.1478G>C), located in coding exon 11 of the KCNQ1 gene, results from a G to C substitution at nucleotide position 1478. The glycine at codon 493 is replaced by alanine, an amino acid with similar properties, and is located in the C-terminal region of the protein. This amino acid position is highly conserved in available vertebrate species. In addition, this alteration is predicted to be deleterious by in silico analysis. Since supporting evidence is limited at this time, the clinical significance of this alteration remains unclear.